The following is an entry in ClinVar:

NM_004463.3(FGD1):c.2857G>A (p.Glu953Lys)

Genes: FGD1 (FYVE, RhoGEF and PH domain containing 1; minus strand), TSR2 (TSR2 ribosome maturation factor; plus strand). Cytogenetic location: Xp11.22.
Variant type: single nucleotide variant.
Coding change: c.2857G>A on transcript NM_004463.3 (MANE Select); coding-DNA position 2857, G replaced by A.
Protein change: p.Glu953Lys; replaces glutamic acid 953 with lysine.
Molecular consequence: missense variant. On other transcripts: 3 prime UTR variant (5).
Genome position (GRCh38, 1-based): chrX:54,446,138, C>T on the plus strand (G>A on the coding strand, the complement: FGD1 is on the minus strand). VCF-style: chrX-54446138-C-T. GRCh37 (hg19) VCF-style: chrX-54472571-C-T.
Other names: c.*1588C>T (NM_001346789.2, NM_001346790.2, NM_001346791.2 and 2 more transcripts); short protein forms E953K.
Identifiers: ClinVar variation 2598649 (VCV002598649.6), dbSNP rs781589438, ClinGen allele CA10424882.

ClinVar aggregate classification (germline): Conflicting classifications of pathogenicity. Review status: criteria provided, conflicting classifications (1 of 4 stars). 3 submissions from 3 submitters: Uncertain significance (2); Likely benign (1). Last evaluated 2026-09-01.

Conditions:
Inborn genetic diseases. Identifiers: MedGen C0950123, MeSH D030342.

Allele frequency attached by ClinVar (database versions not stated): ExAC 0.00001; gnomAD exomes 0.00001; TOPMed 0.00003.
gnomAD v4.1: 9 of 1,210,190 alleles (0.00074%); highest among the groups gnomAD compares: South Asian, 0.0053%; no homozygotes.

Submissions (3):

CeGaT Center for Human Genetics Tuebingen
Classification: Likely benign. Last evaluated: 2026-09-01. Review status: criteria provided, single submitter. Criteria: CeGaT Center For Human Genetics Tuebingen Variant Classification Criteria Version 2. Collection method: clinical testing. Allele origin: germline. Affected: yes. Observed: 1 variant allele.
Comment: FGD1: BS2

Labcorp Genetics (formerly Invitae), Labcorp
Classification: Uncertain significance. Last evaluated: 2023-11-27. Review status: criteria provided, single submitter. Criteria: Invitae Variant Classification Sherloc (09022015). Collection method: clinical testing. Allele origin: germline.
Comment: This sequence change replaces glutamic acid, which is acidic and polar, with lysine, which is basic and polar, at codon 953 of the FGD1 protein (p.Glu953Lys). The frequency data for this variant in the population databases is considered unreliable, as metrics indicate poor data quality at this position in the gnomAD database. This variant has not been reported in the literature in individuals affected with FGD1-related conditions. Advanced modeling of protein sequence and biophysical properties (such as structural, functional, and spatial information, amino acid conservation, physicochemical variation, residue mobility, and thermodynamic stability) has been performed at Invitae for this missense variant, however the output from this modeling did not meet the statistical confidence thresholds required to predict the impact of this variant on FGD1 protein function. In summary, the available evidence is currently insufficient to determine the role of this variant in disease. Therefore, it has been classified as a Variant of Uncertain Significance.

Ambry Genetics
Classification: Uncertain significance for Inborn genetic diseases. Last evaluated: 2023-08-02. Review status: criteria provided, single submitter. Criteria: Ambry Variant Classification Scheme 2023. Collection method: clinical testing. Allele origin: germline.